The following is an entry in ClinVar:

NM_005633.4(SOS1):c.3724dup (p.Ser1242fs)

Gene: SOS1 (SOS Ras/Rac guanine nucleotide exchange factor 1; minus strand). Cytogenetic location: 2p22.1.
Variant type: Duplication.
Coding change: c.3724dup on transcript NM_005633.4 (MANE Select); coding-DNA position 3724, one base duplicated (A; older notation c.3724dupA).
Protein change: p.Ser1242fs; shifts the reading frame from serine 1242.
Molecular consequence: frameshift variant.
Genome position (GRCh38, 1-based): chr2:38,986,102, T duplicated on the plus strand (A on the coding strand, the reverse complement: SOS1 is on the minus strand); the first of 7 consecutive T bases (chr2:38,986,102-38,986,108); duplicating any one gives the same sequence. VCF-style (leftmost placement, unchanged base first): chr2-38986101-C-CT. GRCh37 (hg19) VCF-style: chr2-39213242-C-CT.
Other names: c.3703dup, p.Ser1235fs (NM_001382394.1); c.3679dup, p.Ser1227fs (NM_001382395.1); short protein forms S1242fs, S1227fs, S1235fs.
Identifiers: ClinVar variation 631861 (VCV000631861.7), dbSNP rs1558454973, ClinGen allele CA913189737.

ClinVar aggregate classification (germline): Uncertain significance (1 of 4 stars; one submission).

Conditions:
RASopathy. Also called: rasopathies; Noonan spectrum disorder. Identifiers: Orphanet 536391, MedGen C5555857, MONDO:0021060.

Submission:

Labcorp Genetics (formerly Invitae), Labcorp
Classification: Uncertain significance for RASopathy. Last evaluated: 2024-05-20. Review status: criteria provided, single submitter. Criteria: Invitae Variant Classification Sherloc (09022015). Collection method: clinical testing. Allele origin: germline.
Comment: This sequence change creates a premature translational stop signal (p.Ser1242Lysfs*2) in the SOS1 gene. While this is not anticipated to result in nonsense mediated decay, it is expected to disrupt the last 92 amino acid(s) of the SOS1 protein. This variant is not present in population databases (gnomAD no frequency). This variant has not been reported in the literature in individuals affected with SOS1-related conditions. ClinVar contains an entry for this variant (Variation ID: 631861). In summary, the available evidence is currently insufficient to determine the role of this variant in disease. Therefore, it has been classified as a Variant of Uncertain Significance.